The following is an entry in ClinVar:

ClinVar aggregate classification (germline): Uncertain significance (1 of 4 stars; one submission).

Conditions:
Hereditary cancer-predisposing syndrome. Also called: Hereditary Cancer Syndrome; Hereditary neoplastic syndrome; Neoplastic Syndromes, Hereditary; Tumor predisposition. Identifiers: Orphanet 140162, MedGen C0027672, MeSH D009386, MONDO:0015356.

Submission:

Ambry Genetics
Classification: Uncertain significance for Hereditary cancer-predisposing syndrome. Last evaluated: 2025-06-27. Review status: criteria provided, single submitter. Criteria: Ambry Variant Classification Scheme 2023. Collection method: clinical testing. Allele origin: germline.
Comment: The p.Q44H variant (also known as c.132G>T), located in coding exon 1 of the FLCN gene, results from a G to T substitution at nucleotide position 132. The glutamine at codon 44 is replaced by histidine, an amino acid with highly similar properties. This amino acid position is conserved. In addition, the in silico prediction for this alteration is inconclusive. Based on the available evidence, the clinical significance of this variant remains unclear.

NM_144997.7(FLCN):c.132G>T (p.Gln44His)

Gene: FLCN (folliculin; minus strand). Cytogenetic location: 17p11.2.
Variant type: single nucleotide variant.
Coding change: c.132G>T on transcript NM_144997.7 (MANE Select); coding-DNA position 132, G replaced by T.
Protein change: p.Gln44His; replaces glutamine 44 with histidine.
Molecular consequence: missense variant.
Genome position (GRCh38, 1-based): chr17:17,228,006, C>A on the plus strand (G>T on the coding strand, the complement: FLCN is on the minus strand). VCF-style: chr17-17228006-C-A. GRCh37 (hg19) VCF-style: chr17-17131320-C-A.
Other names: c.132G>T, p.Gln44His (NM_001353229.2, NM_001353230.2, NM_001353231.2 and 1 more transcripts); short protein forms Q44H.
Identifiers: ClinVar variation 4257919 (VCV004257919.1).